The following is an entry in ClinVar:

NM_004187.5(KDM5C):c.4228G>A (p.Glu1410Lys)

Gene: KDM5C (lysine demethylase 5C; minus strand). Cytogenetic location: Xp11.22.
Variant type: single nucleotide variant.
Coding change: c.4228G>A on transcript NM_004187.5 (MANE Select); coding-DNA position 4228, G replaced by A.
Protein change: p.Glu1410Lys; replaces glutamic acid 1410 with lysine.
Molecular consequence: missense variant. On other transcripts: non-coding transcript variant (3).
Genome position (GRCh38, 1-based): chrX:53,193,526, C>T on the plus strand (G>A on the coding strand, the complement: KDM5C is on the minus strand). VCF-style: chrX-53193526-C-T. GRCh37 (hg19) VCF-style: chrX-53222708-C-T.
Other names: c.4018G>A, p.Glu1340Lys (NM_001146702.2); c.4225G>A, p.Glu1409Lys (NM_001282622.3, NM_001353979.2); c.4219G>A, p.Glu1407Lys (NM_001353978.3, NM_001353981.2, NM_001353984.2); c.4216G>A, p.Glu1406Lys (NM_001353982.2); short protein forms E1340K, E1410K, E1406K, E1407K, E1409K.
Identifiers: ClinVar variation 2853816 (VCV002853816.3), dbSNP rs2519366148, ClinGen allele CA413105192.
Genomic context (GRCh38, chrX:53,193,526, plus strand): 5'-CTGGGGGCTGTCCAGCCTGCAGCAGCTGCCATATGCTGTGGTTCTCATCCAGGGTCACCT[C>T]GAGCAGGTCCCCCTCCATCATGAGCTCCTCCAAGGGGGCCCGGGTTGCCTCAGGCAGTTC-3'
Protein context (NP_004178.2, residues 1400-1420): EELMMEGDLL[Glu1410Lys]VTLDENHSIW

ClinVar aggregate classification (germline): Uncertain significance (1 of 4 stars; one submission).

Conditions:
Spastic paraplegia. Identifiers: MedGen C0037772, HP:0001258.

Submission:

Labcorp Genetics (formerly Invitae), Labcorp
Classification: Uncertain significance for Spastic paraplegia. Last evaluated: 2023-04-09. Review status: criteria provided, single submitter. Criteria: Invitae Variant Classification Sherloc (09022015). Collection method: clinical testing. Allele origin: germline.
Comment: Advanced modeling of protein sequence and biophysical properties (such as structural, functional, and spatial information, amino acid conservation, physicochemical variation, residue mobility, and thermodynamic stability) performed at Invitae indicates that this missense variant is not expected to disrupt KDM5C protein function. In summary, the available evidence is currently insufficient to determine the role of this variant in disease. Therefore, it has been classified as a Variant of Uncertain Significance. This variant has not been reported in the literature in individuals affected with KDM5C-related conditions. This variant is not present in population databases (gnomAD no frequency). This sequence change replaces glutamic acid, which is acidic and polar, with lysine, which is basic and polar, at codon 1410 of the KDM5C protein (p.Glu1410Lys).